The following is an entry in ClinVar:

NM_001370298.3(FGD4):c.*2537C>A

Gene: FGD4 (FYVE, RhoGEF and PH domain containing 4; plus strand). Cytogenetic location: 12p11.21.
Variant type: single nucleotide variant.
Coding change: c.*2537C>A on transcript NM_001370298.3 (MANE Select); 2537 bases downstream of the stop codon, C replaced by A.
Molecular consequence: 3 prime UTR variant. On other transcripts: intron variant (3).
Genome position (GRCh38, 1-based): chr12:32,643,070, C>A. VCF-style: chr12-32643070-C-A. GRCh37 (hg19) VCF-style: chr12-32796004-C-A.
Other names: c.*2537C>A (NM_001304481.2, NM_001304484.2, NM_001330373.2 and 5 more transcripts); c.2633-1524C>A (NM_001384126.1); c.2222-1524C>A (NM_001384127.1, NM_001384128.1).
Identifiers: ClinVar variation 308333 (VCV000308333.5), dbSNP rs115173894, ClinGen allele CA10637241.

ClinVar aggregate classification (germline): Benign (1 of 4 stars; one submission).

Conditions:
Charcot-Marie-Tooth disease type 4H (CMT4H). Also called: CHARCOT-MARIE-TOOTH DISEASE, AUTOSOMAL RECESSIVE, TYPE 4H; CHARCOT-MARIE-TOOTH DISEASE, DEMYELINATING, AUTOSOMAL RECESSIVE, TYPE 4H; CHARCOT-MARIE-TOOTH NEUROPATHY, TYPE 4H; CHARCOT-MARIE-TOOTH DISEASE, DEMYELINATING, TYPE 4H. Identifiers: Orphanet 99954, MedGen C1836336, MONDO:0012250, OMIM 609311.

Allele frequency attached by ClinVar (database versions not stated): 1000 Genomes Project 30x 0.01187; 1000 Genomes Project 0.01198; TOPMed 0.01147.
gnomAD v4.1: 1,700 of 152,606 alleles (1.1%); highest among the groups gnomAD compares: African/African-American, 3.7%; 24 homozygotes.

Submission:

Illumina Laboratory Services, Illumina
Classification: Benign for Charcot-Marie-Tooth disease type 4H. Last evaluated: 2018-01-12. Review status: criteria provided, single submitter. Criteria: ICSL Variant Classification Criteria 13 December 2019. Collection method: clinical testing. Allele origin: germline.
Comment: This variant was observed in the ICSL laboratory as part of a predisposition screen in an ostensibly healthy population. It had not been previously curated by ICSL or reported in the Human Gene Mutation Database (HGMD: prior to June 1st, 2018), and was therefore a candidate for classification through an automated scoring system. Utilizing variant allele frequency, disease prevalence and penetrance estimates, and inheritance mode, an automated score was calculated to assess if this variant is too frequent to cause the disease. Based on the score and internal cut-off values, a variant classified as benign is not then subjected to further curation. The score for this variant resulted in a classification of benign for this disease.